The following is an entry in ClinVar:

NM_003919.3(SGCE):c.241A>G (p.Ser81Gly)

Genes: CASD1 (CAS1 domain sialic acid O acetyltransferase 1; plus strand), SGCE (sarcoglycan epsilon; minus strand). Cytogenetic location: 7q21.3.
Variant type: single nucleotide variant.
Coding change: c.241A>G on transcript NM_003919.3 (MANE Select); coding-DNA position 241, A replaced by G.
Protein change: p.Ser81Gly; replaces serine 81 with glycine.
Molecular consequence: missense variant. On other transcripts: 5 prime UTR variant (2).
Genome position (GRCh38, 1-based): chr7:94,628,351, T>C on the plus strand (A>G on the coding strand, the complement: SGCE is on the minus strand). VCF-style: chr7-94628351-T-C. GRCh37 (hg19) VCF-style: chr7-94257663-T-C.
Other names: c.241A>G, p.Ser81Gly (NM_001099400.2, NM_001099401.2, NM_001346717.2); c.118A>G, p.Ser40Gly (NM_001301139.2, NM_001362809.2); c.349A>G, p.Ser117Gly (NM_001346713.2, NM_001346715.2); c.154A>G, p.Ser52Gly (NM_001346719.2, NM_001362807.2); c.-33A>G (NM_001346720.2, NM_001362808.2); short protein forms S117G, S52G, S40G, S81G.
Identifiers: ClinVar variation 1044117 (VCV001044117.8), dbSNP rs758164053, ClinGen allele CA4348848.

ClinVar aggregate classification (germline): Uncertain significance (1 of 4 stars; one submission).

Conditions:
Myoclonic dystonia 11 (DYT11). Also called: DYT-SGCE; Myoclonic dystonia; Dystonia 11; Dystonia, alcohol responsive; Hereditary essential myoclonus; SGCE Myoclonus-Dystonia. Identifiers: Orphanet 36899, MedGen C1834570, MONDO:0008044, OMIM 159900.

Allele frequency attached by ClinVar (database versions not stated): gnomAD exomes below 0.00001 and 0.00001; ExAC 0.00001.
gnomAD v4.1: 2 of 1,607,802 alleles (0.00012%); highest among the groups gnomAD compares: Admixed American, 0.0033%; no homozygotes.

Submission:

Labcorp Genetics (formerly Invitae), Labcorp
Classification: Uncertain significance for Myoclonic dystonia 11. Last evaluated: 2024-12-09. Review status: criteria provided, single submitter. Criteria: Invitae Variant Classification Sherloc (09022015). Collection method: clinical testing. Allele origin: germline.
Comment: This sequence change replaces serine, which is neutral and polar, with glycine, which is neutral and non-polar, at codon 81 of the SGCE protein (p.Ser81Gly). This variant is present in population databases (rs758164053, gnomAD 0.006%). This variant has not been reported in the literature in individuals affected with SGCE-related conditions. ClinVar contains an entry for this variant (Variation ID: 1044117). Invitae Evidence Modeling of protein sequence and biophysical properties (such as structural, functional, and spatial information, amino acid conservation, physicochemical variation, residue mobility, and thermodynamic stability) indicates that this missense variant is not expected to disrupt SGCE protein function with a negative predictive value of 80%. In summary, the available evidence is currently insufficient to determine the role of this variant in disease. Therefore, it has been classified as a Variant of Uncertain Significance.